The following is an entry in ClinVar:

NM_001928.4(CFD):c.125C>A (p.Ser42Ter)

Gene: CFD (complement factor D; plus strand). Cytogenetic location: 19p13.3.
Variant type: single nucleotide variant.
Coding change: c.125C>A on transcript NM_001928.4 (MANE Select); coding-DNA position 125, C replaced by A.
Protein change: p.Ser42Ter; replaces serine 42 with a stop codon.
Molecular consequence: nonsense.
Genome position (GRCh38, 1-based): chr19:860,686, C>A. VCF-style: chr19-860686-C-A. GRCh37 (hg19) VCF-style: chr19-860686-C-A.
Other names: c.125C>A, p.Ser42Ter (LRG_46t1); c.146C>A, p.Ser49Ter (NM_001317335.2); short protein forms S42*, S49*.
Identifiers: ClinVar variation 16564 (VCV000016564.4), dbSNP rs104894667, ClinGen allele CA126674.

ClinVar aggregate classification (germline): Pathogenic. Review status: criteria provided, single submitter (1 of 4 stars). 4 submissions from 4 submitters: Pathogenic (1). 3 of the submissions do not count toward it. Last evaluated 2025-12-10.

Conditions:
Recurrent Neisseria infections due to factor D deficiency. Also called: FACTOR D DEFICIENCY. Identifiers: Orphanet 169467, MedGen C0398764, MONDO:0013487, OMIM 613912.

Allele frequency attached by ClinVar (database versions not stated): TOPMed below 0.00001; gnomAD 0.00002.
gnomAD v4.1: 26 of 1,542,878 alleles (0.0017%); highest among the groups gnomAD compares: South Asian, 0.0024%; no homozygotes.

Submissions (4):

Labcorp Genetics (formerly Invitae), Labcorp
Classification: Pathogenic. Last evaluated: 2025-12-10. Review status: criteria provided, single submitter. Criteria: Invitae Variant Classification Sherloc (09022015). Collection method: clinical testing. Allele origin: germline.
Comment: This sequence change creates a premature translational stop signal (p.Ser42*) in the CFD gene. It is expected to result in an absent or disrupted protein product. Loss-of-function variants in CFD are known to be pathogenic (PMID: 11724962). The frequency data for this variant in the population databases is considered unreliable, as metrics indicate poor data quality at this position in the gnomAD database. This premature translational stop signal has been observed in individual(s) with complement factor D deficiency (PMID: 11457876). ClinVar contains an entry for this variant (Variation ID: 16564). For these reasons, this variant has been classified as Pathogenic.

OMIM
Classification: Pathogenic for COMPLEMENT FACTOR D DEFICIENCY. Last evaluated: 2001-07-01. Review status: no assertion criteria provided. Collection method: literature only. Allele origin: germline. Not counted in ClinVar's aggregate classification.

Clinical Genetics DNA and cytogenetics Diagnostics Lab, Erasmus MC, Erasmus Medical Center
Classification: Pathogenic. Review status: no assertion criteria provided. Collection method: clinical testing. Allele origin: germline. Affected: yes. Study: VKGL Data-share Consensus. Not counted in ClinVar's aggregate classification.

Joint Genome Diagnostic Labs from Nijmegen and Maastricht, Radboudumc and MUMC+
Classification: Pathogenic. Review status: no assertion criteria provided. Collection method: clinical testing. Allele origin: germline. Affected: yes. Study: VKGL Data-share Consensus. Not counted in ClinVar's aggregate classification.

Literature cited by the submitters: PubMed 11724962 (cited by Labcorp Genetics (formerly Invitae), Labcorp); PubMed 11457876 (cited by Labcorp Genetics (formerly Invitae), Labcorp and OMIM).